The following is an entry in ClinVar:

ClinVar aggregate classification (germline): Uncertain significance (1 of 4 stars; one submission).

Conditions:
Acromesomelic dysplasia 1, Maroteaux type (AMD1). Also called: ST. HELENA DYSPLASIA; ACROMESOMELIC DYSPLASIA 1. Identifiers: Orphanet 40, MedGen C1864356, MONDO:0011275, OMIM 602875.
Tall stature-scoliosis-macrodactyly of the great toes syndrome. Also called: Epiphyseal chondrodysplasia, miura type. Identifiers: Orphanet 329191, MedGen C4014690, MONDO:0014401, OMIM 615923.

Submission:

Labcorp Genetics (formerly Invitae), Labcorp
Classification: Uncertain significance for Tall stature-scoliosis-macrodactyly of the great toes syndrome; Acromesomelic dysplasia 1, Maroteaux type. Last evaluated: 2024-10-02. Review status: criteria provided, single submitter. Criteria: Invitae Variant Classification Sherloc (09022015). Collection method: clinical testing. Allele origin: germline.
Comment: This sequence change replaces asparagine, which is neutral and polar, with histidine, which is basic and polar, at codon 922 of the NPR2 protein (p.Asn922His). This variant is not present in population databases (gnomAD no frequency). This variant has not been reported in the literature in individuals affected with NPR2-related conditions. Invitae Evidence Modeling of protein sequence and biophysical properties (such as structural, functional, and spatial information, amino acid conservation, physicochemical variation, residue mobility, and thermodynamic stability) has been performed for this missense variant. However, the output from this modeling did not meet the statistical confidence thresholds required to predict the impact of this variant on NPR2 protein function. In summary, the available evidence is currently insufficient to determine the role of this variant in disease. Therefore, it has been classified as a Variant of Uncertain Significance.

NM_003995.4(NPR2):c.2764A>C (p.Asn922His)

Genes: NPR2 (natriuretic peptide receptor 2; plus strand), SPAG8 (sperm associated antigen 8; minus strand). Cytogenetic location: 9p13.3.
Variant type: single nucleotide variant.
Coding change: c.2764A>C on transcript NM_003995.4 (MANE Select); coding-DNA position 2764, A replaced by C.
Protein change: p.Asn922His; replaces asparagine 922 with histidine.
Molecular consequence: missense variant. On other transcripts: intron variant (2).
Genome position (GRCh38, 1-based): chr9:35,808,560, A>C. VCF-style: chr9-35808560-A-C. GRCh37 (hg19) VCF-style: chr9-35808557-A-C.
Other names: c.2773A>C, p.Asn925His (NM_001378923.1); c.1201-254T>G (NM_001366760.2); c.1373-254T>G (NM_172312.2); short protein forms N922H, N925H.
Identifiers: ClinVar variation 3758090 (VCV003758090.2).